The following is an entry in ClinVar:

ClinVar aggregate classification (germline): Conflicting classifications of pathogenicity. Review status: criteria provided, conflicting classifications (1 of 4 stars). 2 submissions from 2 submitters: Uncertain significance (1); Likely benign (1). Last evaluated 2025-07-15.

Conditions:
Malignant hyperthermia, susceptibility to, 1 (MHS1). Also called: Malignant hyperthermia suceptibility 1; RYR1-Related Malignant Hyperthermia Susceptibility; Anesthesia related hyperthermia; Malignant hyperpyrexia; Fulminating hyperpyrexia; Pharmacogenic myopathy. Identifiers: Orphanet 423, MedGen C2930980, MONDO:0007783, OMIM 145600.
RYR1-related disorder. Also called: RYR1-related disorders; RYR1-related condition. Identifiers: MedGen CN239331.

Allele frequency attached by ClinVar (database versions not stated): TOPMed below 0.00001; gnomAD 0.00001.
gnomAD v4.1: 20 of 1,611,286 alleles (0.0012%); highest among the groups gnomAD compares: Non-Finnish European, 0.0016%; no homozygotes.

Submissions (2):

Labcorp Genetics (formerly Invitae), Labcorp
Classification: Likely benign for RYR1-related disorder. Last evaluated: 2025-07-15. Review status: criteria provided, single submitter. Criteria: Invitae Variant Classification Sherloc (09022015). Collection method: clinical testing. Allele origin: germline.

All of Us Research Program, National Institutes of Health
Classification: Uncertain significance for Malignant hyperthermia, susceptibility to, 1. Last evaluated: 2023-11-30. Review status: criteria provided, single submitter. Criteria: ACMG Guidelines, 2015. Collection method: clinical testing. Allele origin: germline. Inheritance: Autosomal dominant inheritance. Observed: 1 variant allele, 1 heterozygote.
Comment: This study involves interpretation of variants in research participants for the purpose of population health screening. Participant phenotype was not available at the time of variant classification. Additional details can be found in publication PMID: 35346344, PMCID: PMC8962531

NM_000540.3(RYR1):c.6279C>A (p.Ser2093=)

Gene: RYR1 (ryanodine receptor 1; plus strand). Cytogenetic location: 19q13.2.
Variant type: single nucleotide variant.
Coding change: c.6279C>A on transcript NM_000540.3 (MANE Select); coding-DNA position 6279, C replaced by A.
Protein change: p.Ser2093=; no amino-acid change (serine 2093 retained).
Molecular consequence: synonymous variant.
Genome position (GRCh38, 1-based): chr19:38,494,356, C>A. VCF-style: chr19-38494356-C-A. GRCh37 (hg19) VCF-style: chr19-38984996-C-A.
Other names: c.6279C>A, p.Ser2093= (NM_001042723.2).
Identifiers: ClinVar variation 2975132 (VCV002975132.4), dbSNP rs1377179094, ClinGen allele CA507242021.
Genomic context (GRCh38, chr19:38,494,356, plus strand): 5'-CCATGTGCCGACCTGCCCTGCATGGTGCTCCAAGCCTTGCATTGTCTCCTTCCCAGGGTC[C>A]CTGCAGGAGCTGGTGTCCCACATGGTGGTGCGCTGGGCCCAAGAGGACTTCGTGCAGAGC-3'
Protein context (NP_000531.2, residues 2083-2103): ERSAEESKPR[Ser2093=]LQELVSHMVV